The following is an entry in ClinVar:

NM_001042424.3(NSD2):c.229G>A (p.Asp77Asn)

Gene: NSD2 (nuclear receptor binding SET domain protein 2; plus strand). Cytogenetic location: 4p16.3.
Variant type: single nucleotide variant.
Coding change: c.229G>A on transcript NM_001042424.3 (MANE Select); coding-DNA position 229, G replaced by A.
Protein change: p.Asp77Asn; replaces aspartic acid 77 with asparagine.
Molecular consequence: missense variant.
Genome position (GRCh38, 1-based): chr4:1,900,883, G>A. VCF-style: chr4-1900883-G-A. GRCh37 (hg19) VCF-style: chr4-1902610-G-A.
Other names: c.229G>A, p.Asp77Asn (NM_007331.2, NM_133330.3, NM_133331.3 and 2 more transcripts); short protein forms D77N.
Identifiers: ClinVar variation 3202286 (VCV003202286.2), dbSNP rs749595883, ClinGen allele CA2811844.

ClinVar aggregate classification (germline): Likely benign. Review status: criteria provided, multiple submitters, no conflicts (2 of 4 stars). 2 submissions from 2 submitters: Likely benign (2). Last evaluated 2026-07-01.

Conditions:
Inborn genetic diseases. Identifiers: MedGen C0950123, MeSH D030342.

Allele frequency attached by ClinVar (database versions not stated): gnomAD 0.00003; TOPMed 0.00006; ExAC 0.00010.
gnomAD v4.1: 31 of 1,612,814 alleles (0.0019%); highest among the groups gnomAD compares: Admixed American, 0.043%; no homozygotes.

Submissions (2):

CeGaT Center for Human Genetics Tuebingen
Classification: Likely benign. Last evaluated: 2026-07-01. Review status: criteria provided, single submitter. Criteria: CeGaT Center For Human Genetics Tuebingen Variant Classification Criteria Version 2. Collection method: clinical testing. Allele origin: germline. Affected: yes. Observed: 1 variant allele.
Comment: NSD2: BS1

Ambry Genetics
Classification: Likely benign for Inborn genetic diseases. Last evaluated: 2023-12-20. Review status: criteria provided, single submitter. Criteria: Ambry Variant Classification Scheme 2023. Collection method: clinical testing. Allele origin: germline.